The following is an entry in ClinVar:

ClinVar aggregate classification (germline): Uncertain significance. Review status: criteria provided, multiple submitters, no conflicts (2 of 4 stars). 2 submissions from 2 submitters: Uncertain significance (2). Last evaluated 2024-11-21.

Conditions:
Infantile spasms. Also called: Infantile spasm. Identifiers: MedGen C3887898, HP:0012469.

Submissions (2):

Ambry Genetics
Classification: Uncertain significance. Last evaluated: 2024-11-21. Review status: criteria provided, single submitter. Criteria: Ambry Variant Classification Scheme 2023. Collection method: clinical testing. Allele origin: germline.

Labcorp Genetics (formerly Invitae), Labcorp
Classification: Uncertain significance for Infantile spasms. Last evaluated: 2022-06-19. Review status: criteria provided, single submitter. Criteria: Invitae Variant Classification Sherloc (09022015). Collection method: clinical testing. Allele origin: germline.
Comment: In summary, the available evidence is currently insufficient to determine the role of this variant in disease. Therefore, it has been classified as a Variant of Uncertain Significance. Algorithms developed to predict the effect of missense changes on protein structure and function (SIFT, PolyPhen-2, Align-GVGD) all suggest that this variant is likely to be tolerated. This variant has not been reported in the literature in individuals affected with PIK3AP1-related conditions. This variant is not present in population databases (gnomAD no frequency). This sequence change replaces glycine, which is neutral and non-polar, with alanine, which is neutral and non-polar, at codon 579 of the PIK3AP1 protein (p.Gly579Ala).

NM_152309.3(PIK3AP1):c.1736G>C (p.Gly579Ala)

Gene: PIK3AP1 (phosphoinositide-3-kinase adaptor protein 1; minus strand). Cytogenetic location: 10q24.1.
Variant type: single nucleotide variant.
Coding change: c.1736G>C on transcript NM_152309.3 (MANE Select); coding-DNA position 1736, G replaced by C.
Protein change: p.Gly579Ala; replaces glycine 579 with alanine.
Molecular consequence: missense variant.
Genome position (GRCh38, 1-based): chr10:96,620,557, C>G on the plus strand (G>C on the coding strand, the complement: PIK3AP1 is on the minus strand). VCF-style: chr10-96620557-C-G. GRCh37 (hg19) VCF-style: chr10-98380314-C-G.
Other names: c.1736G>C (NM_152309.2); short protein forms G579A.
Identifiers: ClinVar variation 2122746 (VCV002122746.5), dbSNP rs2493651229, ClinGen allele CA377755525.